The following is an entry in ClinVar:

ClinVar aggregate classification (germline): Pathogenic/Likely pathogenic. Review status: criteria provided, multiple submitters, no conflicts (2 of 4 stars). 3 submissions from 3 submitters: Pathogenic (1); Likely pathogenic (2). Last evaluated 2020-06-07.

Conditions:
SMC1A-related disorder. Also called: SMC1A-related condition.
Inborn genetic diseases. Identifiers: MedGen C0950123, MeSH D030342.
Congenital muscular hypertrophy-cerebral syndrome (CDLS2). Also called: SMC1A-Related Cornelia de Lange Syndrome; Cornelia de Lange syndrome 2. Identifiers: Orphanet 199, MedGen C1802395, MONDO:0010370, OMIM 300590.

Submissions (3):

Blueprint Genetics
Classification: Likely pathogenic for SMC1A-related disorders. Last evaluated: 2020-06-07. Review status: criteria provided, single submitter. Criteria: ACMG Guidelines, 2015. Collection method: clinical testing. Allele origin: de novo. Affected: yes. Observed: 1 variant allele.

Labcorp Genetics (formerly Invitae), Labcorp
Classification: Pathogenic for Congenital muscular hypertrophy-cerebral syndrome. Last evaluated: 2017-11-22. Review status: criteria provided, single submitter. Criteria: Invitae Variant Classification Sherloc (09022015). Collection method: clinical testing. Allele origin: germline.
Comment: For these reasons, this variant has been classified as Pathogenic. A different missense substitution at this codon (p.Arg1066Cys) has been determined to be pathogenic (PMID: 25356970). This suggests that the arginine residue is critical for SMC1A protein function and that other missense substitutions at this position may also be pathogenic. Algorithms developed to predict the effect of missense changes on protein structure and function do not agree on the potential impact of this missense change (SIFT: "Deleterious"; PolyPhen-2: "Probably Damaging"; Align-GVGD: "Class C0"). This variant is not present in population databases (ExAC no frequency). This sequence change replaces arginine with histidine at codon 1066 of the SMC1A protein (p.Arg1066His). The arginine residue is highly conserved and there is a small physicochemical difference between arginine and histidine.

Ambry Genetics
Classification: Likely pathogenic for Inborn genetic diseases. Last evaluated: 2017-08-16. Review status: criteria provided, single submitter. Criteria: Ambry exome assertion method (8-5-2015). Collection method: clinical testing. Allele origin: germline. Affected: yes. Observed: 1 variant allele.

Literature cited by the submitters: PubMed 25356970 (cited by Labcorp Genetics (formerly Invitae), Labcorp).

NM_006306.4(SMC1A):c.3197G>A (p.Arg1066His)

Gene: SMC1A (structural maintenance of chromosomes 1A; minus strand). Cytogenetic location: Xp11.22.
Variant type: single nucleotide variant.
Coding change: c.3197G>A on transcript NM_006306.4 (MANE Select); coding-DNA position 3197, G replaced by A.
Protein change: p.Arg1066His; replaces arginine 1066 with histidine.
Molecular consequence: missense variant.
Genome position (GRCh38, 1-based): chrX:53,382,594, C>T on the plus strand (G>A on the coding strand, the complement: SMC1A is on the minus strand). VCF-style: chrX-53382594-C-T. GRCh37 (hg19) VCF-style: chrX-53409515-C-T.
Other names: c.3131G>A, p.Arg1044His (NM_001281463.1); short protein forms R1044H, R1066H.
Identifiers: ClinVar variation 521979 (VCV000521979.12), dbSNP rs1556886034, ClinGen allele CA413244342.